The following is an entry in ClinVar:

ClinVar aggregate classification (germline): Uncertain significance. Review status: criteria provided, multiple submitters, no conflicts (2 of 4 stars). 2 submissions from 2 submitters: Uncertain significance (2). Last evaluated 2025-05-21.

Conditions:
Hereditary cancer-predisposing syndrome. Also called: Neoplastic Syndromes, Hereditary; Hereditary Cancer Syndrome; Tumor predisposition; Hereditary neoplastic syndrome. Identifiers: Orphanet 140162, MedGen C0027672, MeSH D009386, MONDO:0015356.

gnomAD v4.1: 11 of 1,613,946 alleles (0.00068%); highest among the groups gnomAD compares: Non-Finnish European, 0.00093%; no homozygotes.

Submissions (2):

Labcorp Genetics (formerly Invitae), Labcorp
Classification: Uncertain significance. Last evaluated: 2025-05-21. Review status: criteria provided, single submitter. Criteria: Invitae Variant Classification Sherloc (09022015). Collection method: clinical testing. Allele origin: germline.
Comment: This sequence change replaces leucine, which is neutral and non-polar, with methionine, which is neutral and non-polar, at codon 2129 of the POLE protein (p.Leu2129Met). This variant is not present in population databases (gnomAD no frequency). This variant has not been reported in the literature in individuals affected with POLE-related conditions. ClinVar contains an entry for this variant (Variation ID: 853432). Invitae Evidence Modeling of protein sequence and biophysical properties (such as structural, functional, and spatial information, amino acid conservation, physicochemical variation, residue mobility, and thermodynamic stability) indicates that this missense variant is not expected to disrupt POLE protein function with a negative predictive value of 80%. In summary, the available evidence is currently insufficient to determine the role of this variant in disease. Therefore, it has been classified as a Variant of Uncertain Significance.

Ambry Genetics
Classification: Uncertain significance for Hereditary cancer-predisposing syndrome. Last evaluated: 2023-12-29. Review status: criteria provided, single submitter. Criteria: Ambry Variant Classification Scheme 2023. Collection method: clinical testing. Allele origin: germline.
Comment: The p.L2129M variant (also known as c.6385C>A), located in coding exon 46 of the POLE gene, results from a C to A substitution at nucleotide position 6385. The leucine at codon 2129 is replaced by methionine, an amino acid with highly similar properties. This amino acid position is conserved. In addition, the in silico prediction for this alteration is inconclusive. Since supporting evidence is limited at this time, the clinical significance of this alteration remains unclear.

NM_006231.4(POLE):c.6385C>A (p.Leu2129Met)

Gene: POLE (DNA polymerase epsilon, catalytic subunit; minus strand). Cytogenetic location: 12q24.33.
Variant type: single nucleotide variant.
Coding change: c.6385C>A on transcript NM_006231.4 (MANE Select); coding-DNA position 6385, C replaced by A.
Protein change: p.Leu2129Met; replaces leucine 2129 with methionine.
Molecular consequence: missense variant.
Genome position (GRCh38, 1-based): chr12:132,626,263, G>T on the plus strand (C>A on the coding strand, the complement: POLE is on the minus strand). VCF-style: chr12-132626263-G-T. GRCh37 (hg19) VCF-style: chr12-133202849-G-T.
Other names: c.6385C>A (NM_006231.2); short protein forms L2129M.
Identifiers: ClinVar variation 853432 (VCV000853432.10), dbSNP rs752303205, ClinGen allele CA387367736.
Genomic context (GRCh38, chr12:132,626,263, plus strand): 5'-GGCAGGGGTCTCGGAACTGGGCCTCCTCGGAGAACTCGCCGACATCCACCAGGCGAAGCA[G>T]GTCTCGGTTCAGCTTATTCACCTGGTTTGTGATGTTGGTGTCCAGGGACAGCACCTGCAG-3'
Protein context (NP_006222.2, residues 2119-2139): TNQVNKLNRD[Leu2129Met]LRLVDVGEFS